The following is an entry in ClinVar:

NM_000260.4(MYO7A):c.2656G>A (p.Ala886Thr)

Gene: MYO7A (myosin VIIA; plus strand). Cytogenetic location: 11q13.5.
Variant type: single nucleotide variant.
Coding change: c.2656G>A on transcript NM_000260.4 (MANE Select); coding-DNA position 2656, G replaced by A.
Protein change: p.Ala886Thr; replaces alanine 886 with threonine.
Molecular consequence: missense variant.
Genome position (GRCh38, 1-based): chr11:77,180,443, G>A. VCF-style: chr11-77180443-G-A. GRCh37 (hg19) VCF-style: chr11-76891489-G-A.
Other names: c.2656G>A, p.Ala886Thr (NM_001127180.2); c.2623G>A, p.Ala875Thr (NM_001369365.1); c.2656G>A (NM_000260.3); short protein forms A886T, A875T.
Identifiers: ClinVar variation 930009 (VCV000930009.20), dbSNP rs782726270, ClinGen allele CA6197888.

ClinVar aggregate classification (germline): Conflicting classifications of pathogenicity. Review status: criteria provided, conflicting classifications (1 of 4 stars). 6 submissions from 6 submitters: Uncertain significance (4); Likely benign (1). 1 of the submissions does not count toward it. Last evaluated 2025-04-27.

Conditions:
Inborn genetic diseases. Identifiers: MedGen C0950123, MeSH D030342.
Usher syndrome type 1B (USH1B). Also called: Usher syndrome type IB. Identifiers: MedGen C1848638, MONDO:0700087.

Allele frequency attached by ClinVar (database versions not stated): TOPMed 0.00002; gnomAD exomes 0.00005 and 0.00006; ExAC 0.00010; gnomAD 0.00003.
gnomAD v4.1: 78 of 1,612,266 alleles (0.0048%); highest among the groups gnomAD compares: Non-Finnish European, 0.0058%; no homozygotes.

Submissions (6):

Labcorp Genetics (formerly Invitae), Labcorp
Classification: Likely benign. Last evaluated: 2025-04-27. Review status: criteria provided, single submitter. Criteria: Invitae Variant Classification Sherloc (09022015). Collection method: clinical testing. Allele origin: germline.

Blueprint Genetics
Classification: Uncertain significance. Last evaluated: 2024-09-03. Review status: criteria provided, single submitter. Criteria: ACMG Guidelines, 2015. Collection method: clinical testing. Allele origin: germline.

GeneDx
Classification: Uncertain significance. Last evaluated: 2024-06-26. Review status: criteria provided, single submitter. Criteria: GeneDx Variant Classification Process June 2021. Collection method: clinical testing. Allele origin: germline. Affected: yes.
Comment: In silico analysis indicates that this missense variant does not alter protein structure/function; Has not been previously published as pathogenic or benign to our knowledge

Ambry Genetics
Classification: Uncertain significance for Inborn genetic diseases. Last evaluated: 2021-07-14. Review status: criteria provided, single submitter. Criteria: Ambry Variant Classification Scheme 2023. Collection method: clinical testing. Allele origin: germline.

Laboratory for Molecular Medicine, Mass General Brigham Personalized Medicine
Classification: Uncertain significance. Last evaluated: 2019-07-31. Review status: criteria provided, single submitter. Criteria: LMM Criteria. Collection method: clinical testing. Allele origin: germline. Observed: 1 variant allele.
Comment: The p.Ala886Thr variant in MYO7A has not been previously reported in individuals with hearing loss or Usher syndrome but has been identified in 0.008% (3/35280) of Latino chromosomes by gnomAD. Computational prediction tools and conservation analyses do not provide strong support for or against an impact to the protein. In summary, the clinical significance of this variant is uncertain. ACMG/AMP Criteria applied: PM2_Supporting.

Natera, Inc.
Classification: Uncertain significance for Usher syndrome type 1B. Last evaluated: 2020-04-16. Review status: no assertion criteria provided. Collection method: clinical testing. Allele origin: germline. Not counted in ClinVar's aggregate classification.